The following is an entry in ClinVar:

ClinVar aggregate classification (germline): Uncertain significance (1 of 4 stars; one submission).

Conditions:
Emery-Dreifuss muscular dystrophy 5, autosomal dominant (EDMD5). Also called: EMERY-DREIFUSS MUSCULAR DYSTROPHY 5. Identifiers: Orphanet 261, MedGen C2751805, MONDO:0013072, OMIM 612999.

Allele frequency attached by ClinVar (database versions not stated): gnomAD 0.00001; TOPMed 0.00001; ExAC 0.00002.
gnomAD v4.1: 15 of 1,614,070 alleles (0.00093%); highest among the groups gnomAD compares: Non-Finnish European, 0.0013%; no homozygotes.

Submission:

Labcorp Genetics (formerly Invitae), Labcorp
Classification: Uncertain significance for Emery-Dreifuss muscular dystrophy 5, autosomal dominant. Last evaluated: 2025-07-14. Review status: criteria provided, single submitter. Criteria: Invitae Variant Classification Sherloc (09022015). Collection method: clinical testing. Allele origin: germline.
Comment: This sequence change replaces glycine, which is neutral and non-polar, with aspartic acid, which is acidic and polar, at codon 4587 of the SYNE2 protein (p.Gly4587Asp). This variant is present in population databases (rs769039838, gnomAD 0.003%). This variant has not been reported in the literature in individuals affected with SYNE2-related conditions. ClinVar contains an entry for this variant (Variation ID: 2716726). An algorithm developed to predict the effect of missense changes on protein structure and function outputs the following: PolyPhen-2: "Benign". The aspartic acid amino acid residue is found in multiple mammalian species, which suggests that this missense change does not adversely affect protein function. In summary, the available evidence is currently insufficient to determine the role of this variant in disease. Therefore, it has been classified as a Variant of Uncertain Significance.

NM_182914.3(SYNE2):c.13760G>A (p.Gly4587Asp)

Gene: SYNE2 (spectrin repeat containing nuclear envelope protein 2; plus strand). Cytogenetic location: 14q23.2.
Variant type: single nucleotide variant.
Coding change: c.13760G>A on transcript NM_182914.3 (MANE Select); coding-DNA position 13760, G replaced by A.
Protein change: p.Gly4587Asp; replaces glycine 4587 with aspartic acid.
Molecular consequence: missense variant.
Genome position (GRCh38, 1-based): chr14:64,126,650, G>A. VCF-style: chr14-64126650-G-A. GRCh37 (hg19) VCF-style: chr14-64593368-G-A.
Other names: c.13760G>A, p.Gly4587Asp (NM_015180.6); short protein forms G4587D.
Identifiers: ClinVar variation 2716726 (VCV002716726.3), dbSNP rs769039838, ClinGen allele CA7222574.